The following is an entry in ClinVar:

NM_000090.4(COL3A1):c.3142C>T (p.His1048Tyr)

Gene: COL3A1 (collagen type III alpha 1 chain; plus strand). Cytogenetic location: 2q32.2.
Variant type: single nucleotide variant.
Coding change: c.3142C>T on transcript NM_000090.4 (MANE Select); coding-DNA position 3142, C replaced by T.
Protein change: p.His1048Tyr; replaces histidine 1048 with tyrosine.
Molecular consequence: missense variant.
Genome position (GRCh38, 1-based): chr2:189,006,393, C>T. VCF-style: chr2-189006393-C-T. GRCh37 (hg19) VCF-style: chr2-189871119-C-T.
Other names: short protein forms H1048Y.
Identifiers: ClinVar variation 3070938 (VCV003070938.1), dbSNP rs2469158187, ClinGen allele CA349845100.

ClinVar aggregate classification (germline): Uncertain significance (1 of 4 stars; one submission).

Conditions:
Ehlers-Danlos syndrome, type 4 (EDSVASC). Also called: Ehlers-Danlos Syndrome Type IV; Ehlers-Danlos syndrome vascular type; Ehlers Danlos syndrome, ecchymotic type; Ehlers Danlos syndrome, arterial type; Ehlers Danlos syndrome, Sack-Barabas type. Identifiers: Orphanet 286, MedGen C0268338, MONDO:0017314, OMIM 130050.

Submission:

All of Us Research Program, National Institutes of Health
Classification: Uncertain significance for Ehlers-Danlos syndrome, type 4. Last evaluated: 2023-05-08. Review status: criteria provided, single submitter. Criteria: ACMG Guidelines, 2015. Collection method: clinical testing. Allele origin: germline. Inheritance: Autosomal dominant inheritance. Observed: 1 variant allele, 1 heterozygote.
Comment: This study involves interpretation of variants in research participants for the purpose of population health screening. Participant phenotype was not available at the time of variant classification. Additional details can be found in publication PMID: 35346344, PMCID: PMC8962531